The following is an entry in ClinVar:

ClinVar aggregate classification (germline): Uncertain significance (1 of 4 stars; one submission).

Conditions:
LAMA2-related muscular dystrophy (LAMA2-RD). Also called: Laminin alpha 2-related dystrophy. Identifiers: MedGen C5679788, MONDO:0100228.

Submission:

Labcorp Genetics (formerly Invitae), Labcorp
Classification: Uncertain significance for LAMA2-related muscular dystrophy. Last evaluated: 2022-07-19. Review status: criteria provided, single submitter. Criteria: Invitae Variant Classification Sherloc (09022015). Collection method: clinical testing. Allele origin: germline.
Comment: This variant has not been reported in the literature in individuals affected with LAMA2-related conditions. This variant is not present in population databases (gnomAD no frequency). This sequence change replaces lysine, which is basic and polar, with asparagine, which is neutral and polar, at codon 3074 of the LAMA2 protein (p.Lys3074Asn). ClinVar contains an entry for this variant (Variation ID: 1373865). In summary, the available evidence is currently insufficient to determine the role of this variant in disease. Therefore, it has been classified as a Variant of Uncertain Significance. Advanced modeling of protein sequence and biophysical properties (such as structural, functional, and spatial information, amino acid conservation, physicochemical variation, residue mobility, and thermodynamic stability) performed at Invitae indicates that this missense variant is not expected to disrupt LAMA2 protein function.

NM_000426.4(LAMA2):c.9222G>C (p.Lys3074Asn)

Gene: LAMA2 (laminin subunit alpha 2; plus strand). Cytogenetic location: 6q22.33.
Variant type: single nucleotide variant.
Coding change: c.9222G>C on transcript NM_000426.4 (MANE Select); coding-DNA position 9222, G replaced by C.
Protein change: p.Lys3074Asn; replaces lysine 3074 with asparagine.
Molecular consequence: missense variant.
Genome position (GRCh38, 1-based): chr6:129,516,200, G>C. VCF-style: chr6-129516200-G-C. GRCh37 (hg19) VCF-style: chr6-129837345-G-C.
Other names: c.9210G>C, p.Lys3070Asn (NM_001079823.2); short protein forms K3070N, K3074N.
Identifiers: ClinVar variation 1373865 (VCV001373865.6), dbSNP rs1292208026, ClinGen allele CA365637203.
Genomic context (GRCh38, chr6:129,516,200, plus strand): 5'-TTTGGTGCAGGACATTTCAAAGCTGAGCCCTCTTGCATTGCCTTTTTCAGATGACCTCAA[G>C]CAGTTTGGCCTAACAACCAGTATTCCGTTCCGAGGTTGCATCAGATCCCTGAAGCTCACC-3'
Protein context (NP_000417.3, residues 3064-3084): VFVGGFPDDL[Lys3074Asn]QFGLTTSIPF